The following is an entry in ClinVar:

ClinVar aggregate classification (germline): Conflicting classifications of pathogenicity. Review status: criteria provided, conflicting classifications (1 of 4 stars). 2 submissions from 2 submitters: Uncertain significance (1); Likely benign (1). Last evaluated 2024-05-01.

Conditions:
Primary ciliary dyskinesia. Also called: Ciliary dyskinesia. Identifiers: Orphanet 244, MedGen C0008780, MONDO:0016575, HP:0012265.

Allele frequency attached by ClinVar (database versions not stated): gnomAD 0.00001; gnomAD exomes 0.00001; ExAC 0.00002.
gnomAD v4.1: 8 of 1,614,056 alleles (0.0005%); highest among the groups gnomAD compares: East Asian, 0.0067%; no homozygotes.

Submissions (2):

CeGaT Center for Human Genetics Tuebingen
Classification: Uncertain significance. Last evaluated: 2024-05-01. Review status: criteria provided, single submitter. Criteria: CeGaT Center For Human Genetics Tuebingen Variant Classification Criteria Version 2. Collection method: clinical testing. Allele origin: germline. Affected: yes. Observed: 1 variant allele.
Comment: DNAH5: PM2, BP4

Labcorp Genetics (formerly Invitae), Labcorp
Classification: Likely benign for Primary ciliary dyskinesia. Last evaluated: 2023-12-21. Review status: criteria provided, single submitter. Criteria: Invitae Variant Classification Sherloc (09022015). Collection method: clinical testing. Allele origin: germline.

NM_001369.3(DNAH5):c.11556C>T (p.Asp3852=)

Gene: DNAH5 (dynein axonemal heavy chain 5; minus strand). Cytogenetic location: 5p15.2.
Variant type: single nucleotide variant.
Coding change: c.11556C>T on transcript NM_001369.3 (MANE Select); coding-DNA position 11556, C replaced by T.
Protein change: p.Asp3852=; no amino-acid change (aspartic acid 3852 retained).
Molecular consequence: synonymous variant.
Genome position (GRCh38, 1-based): chr5:13,735,832, G>A on the plus strand (C>T on the coding strand, the complement: DNAH5 is on the minus strand). VCF-style: chr5-13735832-G-A. GRCh37 (hg19) VCF-style: chr5-13735941-G-A.
Identifiers: ClinVar variation 1148168 (VCV001148168.28), dbSNP rs745961446, ClinGen allele CA3201929.